The following is an entry in ClinVar:

NM_001388492.1(HTT):c.6188G>A (p.Arg2063His)

Gene: HTT (huntingtin; plus strand). Cytogenetic location: 4p16.3.
Variant type: single nucleotide variant.
Coding change: c.6188G>A on transcript NM_001388492.1 (MANE Select); coding-DNA position 6188, G replaced by A.
Protein change: p.Arg2063His; replaces arginine 2063 with histidine.
Molecular consequence: missense variant.
Genome position (GRCh38, 1-based): chr4:3,208,808, G>A. VCF-style: chr4-3208808-G-A. GRCh37 (hg19) VCF-style: chr4-3210535-G-A.
Other names: c.6194G>A, p.Arg2065His (NM_002111.8); short protein forms R2063H, R2065H.
Identifiers: ClinVar variation 1351900 (VCV001351900.6), dbSNP rs532273033, ClinGen allele CA2824967.

ClinVar aggregate classification (germline): Uncertain significance (1 of 4 stars; one submission).

Allele frequency attached by ClinVar (database versions not stated): gnomAD exomes 0.00001 and 0.00002; ExAC 0.00003; gnomAD 0.00003 and 0.00004; 1000 Genomes Project 30x 0.00016; TOPMed 0.00016; 1000 Genomes Project 0.00020.
gnomAD v4.1: 17 of 1,613,426 alleles (0.0011%); highest among the groups gnomAD compares: Admixed American, 0.01%; no homozygotes.

Submission:

Labcorp Genetics (formerly Invitae), Labcorp
Classification: Uncertain significance. Last evaluated: 2021-03-25. Review status: criteria provided, single submitter. Criteria: Invitae Variant Classification Sherloc (09022015). Collection method: clinical testing. Allele origin: germline.
Comment: This variant has not been reported in the literature in individuals with HTT-related conditions. This variant is present in population databases (rs532273033, ExAC 0.01%). This sequence change replaces arginine with histidine at codon 2065 of the HTT protein (p.Arg2065His). The arginine residue is highly conserved and there is a small physicochemical difference between arginine and histidine. Experimental studies and prediction algorithms are not available or were not evaluated, and the functional significance of this variant is currently unknown. In summary, the available evidence is currently insufficient to determine the role of this variant in disease. Therefore, it has been classified as a Variant of Uncertain Significance.